The following is an entry in ClinVar:

ClinVar aggregate classification (germline): Conflicting classifications of pathogenicity. Review status: criteria provided, conflicting classifications (1 of 4 stars). 7 submissions from 7 submitters: Pathogenic (4); Likely pathogenic (2); Uncertain significance (1). Last evaluated 2026-02-01.

Conditions:
Inborn genetic diseases. Identifiers: MedGen C0950123, MeSH D030342.
NAA10-related disorder. Also called: NAA10-related condition; NAA10-related disorders.
Ogden syndrome (OGDNS). Also called: N-TERMINAL ACETYLTRANSFERASE DEFICIENCY. Identifiers: Orphanet 276432, MedGen C3275447, MONDO:0010457, OMIM 300855.
Microphthalmia, syndromic 1 (MCOPS1). Also called: ANOP1. Identifiers: Orphanet 568, Orphanet 85275, MedGen C0796016, MONDO:0010671, OMIM 309800.

Submissions (7):

CeGaT Center for Human Genetics Tuebingen
Classification: Pathogenic. Last evaluated: 2026-02-01. Review status: criteria provided, single submitter. Criteria: CeGaT Center For Human Genetics Tuebingen Variant Classification Criteria Version 2. Collection method: clinical testing. Allele origin: germline. Affected: yes. Observed: 1 variant allele.
Comment: NAA10: PM2, PS2:Moderate, PS4:Moderate, PM5:Supporting, PP2, PP3, PS3:Supporting

3billion
Classification: Pathogenic for Ogden syndrome. Last evaluated: 2025-12-16. Review status: criteria provided, single submitter. Criteria: ACMG Guidelines, 2015. Collection method: clinical testing. Allele origin: germline. Affected: yes.
Comment: The variant is not observed in the gnomAD v4.1.0 dataset. Predicted Consequence/Location: Missense variant. Missense changes are a common disease-causing mechanism. In silico tool predictions suggest damaging effect of the variant on gene or gene product [REVEL: 0.61 (>=0.6, sensitivity 0.68 and specificity 0.92); 3Cnet: 0.93 (> 0.75, sensitivity 0.96 and precision 0.92)]. The same nucleotide change resulting in the same amino acid change has been previously reported as pathogenic/likely pathogenic with strong evidence (ClinVar ID: VCV000373777 /PMID: 31127942 /3billion dataset). The variant has been previously reported as de novo in a similarly affected individual (PMID: 31127942). A different missense change at the same codon (p.Met147Leu) has been reported to be associated with NAA10-related disorder (PMID: 39012200). Therefore, this variant is classified as Pathogenic according to the recommendation of ACMG/AMP guideline.

Blueprint Genetics
Classification: Pathogenic for NAA10-related disorders. Last evaluated: 2024-10-09. Review status: criteria provided, single submitter. Criteria: ACMG Guidelines, 2015. Collection method: clinical testing. Allele origin: de novo. Affected: yes. Observed: 2 variant alleles.

Ambry Genetics
Classification: Pathogenic for Inborn genetic diseases. Last evaluated: 2024-09-10. Review status: criteria provided, single submitter. Criteria: Ambry Variant Classification Scheme 2023. Collection method: clinical testing. Allele origin: germline.
Comment: The c.440T>C (p.M147T) alteration is located in coding exon 7 of the NAA10 gene. This alteration results from a T to C substitution at nucleotide position 440, causing the methionine (M) at amino acid position 147 to be replaced by a threonine (T). This variant was not reported in population-based cohorts in the Genome Aggregation Database (gnomAD). This variant has been determined to be the result of a de novo mutation or has been observed as a heterozygous variant in individuals with features consistent with NAA10-related neurodevelopmental syndrome (Cheng, 2019; Patel, 2024; Lyon, 2023; Ambry internal data). This amino acid position is highly conserved in available vertebrate species. This missense alteration is located in a region that has a low rate of benign missense variation (Lek, 2016; Firth, 2009). Functional studies suggest a loss of function effect for this variant; however, additional evidence is needed to confirm this finding/these findings (Cheng, 2019). The p.M147T alteration is predicted to be deleterious by in silico analysis. Based on the available evidence, this alteration is classified as pathogenic.

Labcorp Genetics (formerly Invitae), Labcorp
Classification: Likely pathogenic. Last evaluated: 2022-05-27. Review status: criteria provided, single submitter. Criteria: Invitae Variant Classification Sherloc (09022015). Collection method: clinical testing. Allele origin: germline.
Comment: This sequence change replaces methionine, which is neutral and non-polar, with threonine, which is neutral and polar, at codon 147 of the NAA10 protein (p.Met147Thr). This variant is not present in population databases (gnomAD no frequency). This missense change has been observed in individual(s) with N-terminal acetyltransferase deficiency (PMID: 31127942). In at least one individual the variant was observed to be de novo. ClinVar contains an entry for this variant (Variation ID: 373777). Algorithms developed to predict the effect of missense changes on protein structure and function are either unavailable or do not agree on the potential impact of this missense change (SIFT: "Deleterious"; PolyPhen-2: "Probably Damaging"; Align-GVGD: "Class C0"). Experimental studies have shown that this missense change affects NAA10 function (PMID: 31127942). In summary, the currently available evidence indicates that the variant is pathogenic, but additional data are needed to prove that conclusively. Therefore, this variant has been classified as Likely Pathogenic.

GeneDx
Classification: Likely pathogenic. Last evaluated: 2016-12-13. Review status: criteria provided, single submitter. Criteria: GeneDx Variant Classification (06012015). Collection method: clinical testing. Allele origin: germline. Affected: yes.
Comment: The M147T variant in the NAA10 gene has not been reported previously as a pathogenic variant, nor as a benign variant, to our knowledge. This variant was not observed in approximately 6500 individuals of European and African American ancestry in the NHLBI Exome Sequencing Project, indicating it is not a common benign variant in these populations. The M147T variant is a non-conservative amino acid substitution, which is likely to impact secondary protein structure as these residues differ in polarity, charge, size and/or other properties. This substitution occurs at a position that is conserved across species, and in silico analysis predicts this variant is probably damaging to the protein structure/function. The M147T variant is a strong candidate for a pathogenic variant.

Juno Genomics, Hangzhou Juno Genomics, Inc
Classification: Uncertain significance for Ogden syndrome; Microphthalmia, syndromic 1. Review status: criteria provided, single submitter. Criteria: ACMG Guidelines, 2015. Collection method: clinical testing. Allele origin: germline. Affected: yes.
Comment: Absent from controls (or at extremely low frequency if recessive) in Genome Aggregation Database, Exome Sequencing Project, 1000 Genomes Project, or Exome Aggregation Consortium.

Literature cited by the submitters: PubMed 39012200 (cited by 3billion and Ambry Genetics); PubMed 31127942 (cited by 3 submitters); PubMed 37130971 (cited by Ambry Genetics).

NM_003491.4(NAA10):c.440T>C (p.Met147Thr)

Gene: NAA10 (N-alpha-acetyltransferase 10, NatA catalytic subunit; minus strand). Cytogenetic location: Xq28.
Variant type: single nucleotide variant.
Coding change: c.440T>C on transcript NM_003491.4 (MANE Select); coding-DNA position 440, T replaced by C.
Protein change: p.Met147Thr; replaces methionine 147 with threonine.
Molecular consequence: missense variant.
Genome position (GRCh38, 1-based): chrX:153,930,794, A>G on the plus strand (T>C on the coding strand, the complement: NAA10 is on the minus strand). VCF-style: chrX-153930794-A-G. GRCh37 (hg19) VCF-style: chrX-153196247-A-G.
Other names: c.395T>C, p.Met132Thr (NM_001256119.2); c.422T>C, p.Met141Thr (NM_001256120.2); short protein forms M147T, M132T, M141T.
Identifiers: ClinVar variation 373777 (VCV000373777.17), dbSNP rs1057518605, ClinGen allele CA16043183.